The following continues an entry in ClinVar:

NM_000257.4(MYH7):c.2155C>T (p.Arg719Trp)

Gene: MYH7. ClinVar aggregate classification (germline): Pathogenic. Pathogenic (1).

Submissions 5 to 13 of 24:

3billion
Classification: Pathogenic for Hypertrophic cardiomyopathy 1. Last evaluated: 2025-03-26. Review status: criteria provided, single submitter. Criteria: ACMG Guidelines, 2015. Collection method: clinical testing. Allele origin: germline. Affected: yes. Not counted in ClinVar's aggregate classification.
Comment: The variant is observed at an extremely low frequency in the gnomAD v4.1.0 dataset (total allele frequency: <0.001%). Predicted Consequence/Location: The variant is located in a mutational hot spot and/or well-established functional domain in which established pathogenic variants have been reported (PMID: 29300372). Functional studies provide strong evidence of the variant having a damaging effect on the gene or gene product (PMID: 24829265). In silico tool predictions suggest damaging effect of the variant on gene or gene product [REVEL: 0.81 (>=0.6, sensitivity 0.68 and specificity 0.92)]. The same nucleotide change resulting in the same amino acid change has been previously reported as pathogenic/likely pathogenic with strong evidence (ClinVar ID: VCV000014104 / PMID: 8282798 / 3billion dataset). The variant has been previously reported as de novo in a similarly affected individual (PMID: 10957787). The variant has been observed in multiple (>3) similarly affected unrelated individuals (PMID: 12707239, 12974739, 19645038, 22429680, 23816408, 27532257, 30297972, 8282798, 9822100, 9829907). The variant has been reported to co-segregate with the disease in at least 7 similarly affected relatives/individuals in at least two unrelated families (PMID: 12974739, 30297972, 8282798, 9822100, 9829907). Different missense changes at the same codon (p.Arg719Gln, p.Arg719Leu, p.Arg719Pro) have been reported as pathogenic/likely pathogenic with strong evidence (ClinVar ID: VCV000014107, VCV000217460 / PMID: 14563299, 24793961, 7848441 / 3billion dataset). Therefore, this variant is classified as Pathogenic according to the recommendation of ACMG/AMP guideline.

ARUP Laboratories, Molecular Genetics and Genomics, ARUP Laboratories
Classification: Pathogenic. Last evaluated: 2024-11-21. Review status: criteria provided, single submitter. Criteria: ARUP Molecular Germline Variant Investigation Process 2024. Collection method: clinical testing. Allele origin: germline. Not counted in ClinVar's aggregate classification.
Comment: The MYH7 c.2155C>T; p.Arg719Trp variant (rs121913637, ClinVar Variation ID: 14104) is reported in the literature in numerous individuals affected with hypertrophic cardiomyopathy (HCM; selected references: Walsh 2017, Hathaway 2021, Hayashi 2018). This variant has also been found to segregate with disease within related individuals (Anan 1994, Tesson 1998), and has been reported as de novo in a child with HCM (Jeschke 1998). This variant is only observed on one allele in the Genome Aggregation Database (v2.1.1), indicating it is not a common polymorphism. In vivo functional analyses in mice demonstrate an HCM like phenotype (Blankenburg 2014) and in vitro functional analyses demonstrate increased myosin activity (Adhikari 2019). Computational analyses predict that this variant is deleterious (REVEL: 0.814). Based on available information, this variant is considered to be pathogenic. References: Adhikari AS et al. ÃŸ-Cardiac myosin hypertrophic cardiomyopathy mutations release sequestered heads and increase enzymatic activity. Nat Commun. 2019 Jun 18;10(1):2685. PMID: 31213605. Anan R et al. Prognostic implications of novel beta cardiac myosin heavy chain gene mutations that cause familial hypertrophic cardiomyopathy. J Clin Invest. 1994 Jan;93(1):280-5. PMID: 8282798. Blankenburg R et al. ÃŸ-Myosin heavy chain variant Val606Met causes very mild hypertrophic cardiomyopathy in mice, but exacerbates HCM phenotypes in mice carrying other HCM mutations. Circ Res. 2014 Jul 7;115(2):227-37. PMID: 24829265. Hathaway J et al. Diagnostic yield of genetic testing in a heterogeneous cohort of 1376 HCM patients. BMC Cardiovasc Disord. 2021 Mar 5;21(1):126. PMID: 33673806. Hayashi T et al. Genetic background of Japanese patients with pediatric hypertrophic and restrictive cardiomyopathy. J Hum Genet. 2018 Sep;63(9):989-996. PMID: 29907873. Jeschke B et al. A high risk phenotype of hypertrophic cardiomyopathy associated with a compound genotype of two mutated beta-myosin heavy chain genes. Hum Genet. 1998 Mar;102(3):299-304. PMID: 9544842. Tesson F et al. Genotype-phenotype analysis in four families with mutations in beta-myosin heavy chain gene responsible for familial hypertrophic cardiomyopathy. Hum Mutat. 1998;12(6):385-92. PMID: 9829907. Walsh R et al. Reassessment of Mendelian gene pathogenicity using 7,855 cardiomyopathy cases and 60,706 reference samples. Genet Med. 2017 Feb;19(2):192-203. PMID: 27532257.

All of Us Research Program, National Institutes of Health
Classification: Pathogenic for Hypertrophic cardiomyopathy. Last evaluated: 2023-06-26. Review status: criteria provided, single submitter. Criteria: ACMG Guidelines, 2015. Collection method: clinical testing. Allele origin: germline. Inheritance: Autosomal dominant inheritance. Observed: 1 variant allele, 1 heterozygote. Not counted in ClinVar's aggregate classification.
Comment: This missense variant replaces arginine with tryptophan at codon 719 of the MYH7 protein. This variant is found within a highly conserved region of the myosin head domain. Missense variants in this region have been shown to be significantly overrepresented in individuals with hypertrophic cardiomyopathy (PMID: 27532257). Computational prediction suggests that this variant may have deleterious impact on protein structure and function (internally defined REVEL score threshold >= 0.7, PMID: 27666373). Functional studies have shown that the variant affects MYH7 protein function by causing an increase in force generation and stiffness of muscle fibers (PMID: 11904418, 19651039, 21769673). This variant has been reported in over 20 individuals affected with hypertrophic cardiomyopathy (PMID: 8282798, 15000344, 16504640, 20378854, 23816408, 25239116, 27532257, 30297972, 30775854, 32612965) and has been observed as de novo occurrence in some affected individuals (PMID: 9544842, 10957787). This variant has been shown to segregate with disease in multiple families (PMID: 9829907, 16504640, 19645038, 25558701, 32612965). A different missense variant at the same codon, p.Arg719Gln, is a well documented pathogenic mutation (ClinVar variation ID: 14107). This variant has been identified in 1/31394 chromosomes in the general population by the Genome Aggregation Database (gnomAD). Based on the available evidence, this variant is classified as Pathogenic.

This study involves interpretation of variants in research participants for the purpose of population health screening. Participant phenotype was not available at the time of variant classification. Additional details can be found in publication PMID: 35346344, PMCID: PMC8962531

Molecular Diagnostic Laboratory for Inherited Cardiovascular Disease, Montreal Heart Institute
Classification: Pathogenic for Cardiovascular phenotype. Last evaluated: 2023-06-22. Review status: criteria provided, single submitter. Criteria: ACMG Guidelines, 2015. Collection method: clinical testing. Allele origin: germline. Affected: yes. Not counted in ClinVar's aggregate classification.

Blueprint Genetics
Classification: Pathogenic for MYH7-related disorders. Last evaluated: 2023-05-02. Review status: criteria provided, single submitter. Criteria: ACMG Guidelines, 2015. Collection method: clinical testing. Allele origin: germline. Affected: yes. Observed: 5 variant alleles. Not counted in ClinVar's aggregate classification.

CHEO Genetics Diagnostic Laboratory, Children's Hospital of Eastern Ontario
Classification: Pathogenic for Cardiomyopathy. Last evaluated: 2023-01-27. Review status: criteria provided, single submitter. Criteria: ACMG Guidelines, 2015. Collection method: clinical testing. Allele origin: germline. Not counted in ClinVar's aggregate classification.

GeneDx
Classification: Pathogenic. Last evaluated: 2021-11-24. Review status: criteria provided, single submitter. Criteria: GeneDx Variant Classification Process June 2021. Collection method: clinical testing. Allele origin: germline. Affected: yes. Not counted in ClinVar's aggregate classification.
Comment: Not observed at a significant frequency in large population cohorts (Lek et al., 2016); In silico analysis supports that this missense variant has a deleterious effect on protein structure/function; Published functional studies demonstrate increased myosin activity, reduced calcium sensitivity, and increased muscle fiber stiffness (Kohler et al., 2002; Adhikari et al., 2019); This variant is associated with the following publications: (PMID: 27247418, 16504640, 10882745, 8282798, 28166811, 28138913, 7874131, 29907873, 19651039, 9544842, 9822100, 21769673, 25346696, 20624503, 21310275, 23816408, 27532257, 29300372, 19645038, 27082122, 29497013, 29386531, 28420666, 29101517, 28296734, 24510615, 29029073, 29343710, 11904418, 24829265, 30775854, 31737537, 31213605, 32612965, 33673806, 32746448, 32894683)

Fulgent Genetics
Classification: Pathogenic for MYH7-related skeletal myopathy; Myosin storage myopathy; Hypertrophic cardiomyopathy 1; Myopathy, myosin storage, autosomal recessive; Congenital myopathy 4A, autosomal dominant; Dilated cardiomyopathy 1S. Last evaluated: 2021-11-15. Review status: criteria provided, single submitter. Criteria: ACMG Guidelines, 2015. Collection method: clinical testing. Allele origin: unknown. Not counted in ClinVar's aggregate classification.

Women's Health and Genetics/Laboratory Corporation of America, LabCorp
Classification: Pathogenic for Primary familial hypertrophic cardiomyopathy. Last evaluated: 2019-09-24. Review status: criteria provided, single submitter. Criteria: LabCorp Variant Classification Summary - May 2015. Collection method: clinical testing. Allele origin: germline. Not counted in ClinVar's aggregate classification.
Comment: Variant summary: MYH7 c.2155C>T (p.Arg719Trp) results in a non-conservative amino acid change located in the Myosin head, motor domain (IPR001609) of the encoded protein sequence. Five of five in-silico tools predict a damaging effect of the variant on protein function. The variant was absent in 251466 control chromosomes (gnomAD). c.2155C>T has been reported in the literature in multiple individuals affected with Hypertrophic Cardiomyopathy, with evidence of co-segregation with disease in multiple families and an observed association with high risk for premature death (e.g. Abchee_1997, Anan_1994, Kelly_2018, Poutanen_2006, Walsh_2017). These data indicate that the variant is very likely to be associated with disease. Nonrandom mutation cluster analysis revealed that rare MYH7 missense variants located between residues 181 and 937 have a statistically increased likelihood of being disease-associated (Walsh_2017). Experimental evidence evaluating an impact on protein function demonstrated that the variant significantly increased stiffness and force generation of the individual mutated myosin heads, resulting in reduced elastic distortion of the mutated myosin heads during isometric force generation (Seebohm_2009). Eight ClinVar submitters including an expert panel (ClinGen Inherited Cardiomyopathy Variant Curation Expert Panel) (evaluation after 2014) cite the variant as pathogenic. Based on the evidence outlined above, the variant was classified as pathogenic.